The following is an entry in ClinVar:

NM_003482.4(KMT2D):c.4943_4951del (p.Asp1648_Leu1651delinsVal)

Gene: KMT2D (lysine methyltransferase 2D; minus strand). Cytogenetic location: 12q13.12.
Variant type: Deletion.
Coding change: c.4943_4951del on transcript NM_003482.4 (MANE Select); coding-DNA positions 4943 to 4951, 9 bases deleted (ATGAGCTGC; older notation c.4943_4951delATGAGCTGC).
Protein change: p.Asp1648_Leu1651delinsVal.
Molecular consequence: inframe indel.
Genome position (GRCh38, 1-based): chr12:49,044,756-49,044,764, GCAGCTCAT deleted on the plus strand (ATGAGCTGC on the coding strand, the reverse complement: KMT2D is on the minus strand). VCF-style (leftmost placement, unchanged base first): chr12-49044755-AGCAGCTCAT-A. GRCh37 (hg19) VCF-style: chr12-49438538-AGCAGCTCAT-A.
Other names: c.4943_4951del9 (NM_003482.3).
Identifiers: ClinVar variation 2633967 (VCV002633967.1), dbSNP rs2498421191, ClinGen allele CA2618610790.
Genomic context (GRCh38, chr12:49,044,755, plus strand): 5'-GAGTCACGCTCCCCCTACTCTGCCGCTCCCTAAGATTCCCCAAGCTAACCTTCACCCTTG[AGCAGCTCAT>A]CGGTGTCCAGGTCCCCATCCTTCTTGTCATCAGGGCCAAGGGCATCTGAGGGCTCAGAAC-3'

ClinVar aggregate classification (germline): Uncertain significance (1 of 4 stars; one submission).

Conditions:
KMT2D-related disorder. Also called: KMT2D-Related Disorders.

Allele frequency attached by ClinVar (database versions not stated): gnomAD exomes below 0.00001.

Submission:

PreventionGenetics, part of Exact Sciences
Classification: Uncertain significance for KMT2D-related condition. Last evaluated: 2023-10-10. Review status: criteria provided, single submitter. Criteria: ACMG Guidelines, 2015. Collection method: clinical testing. Allele origin: germline.
Comment: The KMT2D c.4943_4951del9 variant is predicted to result in an in-frame deletion (p.Asp1648_Leu1651delinsVal). To our knowledge, this variant has not been reported in the literature or in a large population database, indicating this variant is rare. At this time, the clinical significance of this variant is uncertain due to the absence of conclusive functional and genetic evidence.